The following is an entry in ClinVar:

NM_001048174.2(MUTYH):c.537C>A (p.Thr179=)

Gene: MUTYH (mutY DNA glycosylase; minus strand). Cytogenetic location: 1p34.1.
Variant type: single nucleotide variant.
Coding change: c.537C>A on transcript NM_001048174.2 (MANE Select); coding-DNA position 537, C replaced by A.
Protein change: p.Thr179=; no amino-acid change (threonine 179 retained).
Molecular consequence: synonymous variant. On other transcripts: non-coding transcript variant (2).
Genome position (GRCh38, 1-based): chr1:45,332,643, G>T on the plus strand (C>A on the coding strand, the complement: MUTYH is on the minus strand). VCF-style: chr1-45332643-G-T. GRCh37 (hg19) VCF-style: chr1-45798315-G-T.
Other names: c.537C>A, p.Thr179= (NM_001048171.2, NM_001048173.2, NM_001293195.2); c.540C>A, p.Thr180= (NM_001048172.2); c.621C>A, p.Thr207= (NM_001128425.2); c.582C>A, p.Thr194= (NM_001293190.2); c.570C>A, p.Thr190= (NM_001293191.2); c.261C>A, p.Thr87= (NM_001293192.2, NM_001293196.2); c.192C>A, p.Thr64= (NM_001350650.2, NM_001350651.2); c.612C>A, p.Thr204= (NM_012222.3).
Identifiers: ClinVar variation 826254 (VCV000826254.15), dbSNP rs1570417012, ClinGen allele CA417880081.

ClinVar aggregate classification (germline): Likely benign. Review status: criteria provided, multiple submitters, no conflicts (2 of 4 stars). 3 submissions from 3 submitters: Likely benign (2). 1 of the submissions does not count toward it. Last evaluated 2026-01-06.

Conditions:
Familial adenomatous polyposis 2. Also called: MYH-associated polyposis; MUTYH Polyposis; Adenomas, multiple colorectal; ADENOMAS, MULTIPLE COLORECTAL, AUTOSOMAL RECESSIVE; COLORECTAL ADENOMATOUS POLYPOSIS, AUTOSOMAL RECESSIVE; FAP type 2. Identifiers: Orphanet 220460, Orphanet 247798, MedGen C3272841, MONDO:0012041, OMIM 608456.
MUTYH-related disorder. Also called: MUTYH-related condition; MUTYH-related disorders.
Hereditary cancer-predisposing syndrome. Also called: Tumor predisposition; Hereditary neoplastic syndrome; Neoplastic Syndromes, Hereditary; Hereditary Cancer Syndrome. Identifiers: Orphanet 140162, MedGen C0027672, MeSH D009386, MONDO:0015356.

Submissions (3):

Labcorp Genetics (formerly Invitae), Labcorp
Classification: Likely benign for Familial adenomatous polyposis 2. Last evaluated: 2026-01-06. Review status: criteria provided, single submitter. Criteria: Invitae Variant Classification Sherloc (09022015). Collection method: clinical testing. Allele origin: germline.

Ambry Genetics
Classification: Likely benign for Hereditary cancer-predisposing syndrome. Last evaluated: 2018-12-31. Review status: criteria provided, single submitter. Criteria: Ambry Variant Classification Scheme 2023. Collection method: clinical testing. Allele origin: germline.

PreventionGenetics, part of Exact Sciences
Classification: Likely benign for MUTYH-related condition. Last evaluated: 2023-02-23. Review status: no assertion criteria provided. Collection method: clinical testing. Allele origin: germline. Not counted in ClinVar's aggregate classification.
Comment: This variant is classified as likely benign based on ACMG/AMP sequence variant interpretation guidelines (Richards et al. 2015 PMID: 25741868, with internal and published modifications).